The following is an entry in ClinVar:

NM_006073.4(TRDN):c.46G>C (p.Val16Leu)

Gene: TRDN (triadin; minus strand). Cytogenetic location: 6q22.31.
Variant type: single nucleotide variant.
Coding change: c.46G>C on transcript NM_006073.4 (MANE Select); coding-DNA position 46, G replaced by C.
Protein change: p.Val16Leu; replaces valine 16 with leucine.
Molecular consequence: missense variant.
Genome position (GRCh38, 1-based): chr6:123,571,109, C>G on the plus strand (G>C on the coding strand, the complement: TRDN is on the minus strand). VCF-style: chr6-123571109-C-G. GRCh37 (hg19) VCF-style: chr6-123892254-C-G.
Other names: c.46G>C, p.Val16Leu (NM_001251987.2, NM_001256020.2, NM_001256021.2 and 1 more transcripts); short protein forms V16L.
Identifiers: ClinVar variation 517158 (VCV000517158.16), dbSNP rs974343553, ClinGen allele CA147302801.

ClinVar aggregate classification (germline): Uncertain significance. Review status: criteria provided, multiple submitters, no conflicts (2 of 4 stars). 3 submissions from 3 submitters: Uncertain significance (3). Last evaluated 2024-04-08.

Conditions:
Cardiovascular phenotype. Identifiers: MedGen CN230736.
Catecholaminergic polymorphic ventricular tachycardia 1. Also called: RYR2-Related Catecholaminergic Polymorphic Ventricular Tachycardia; VENTRICULAR TACHYCARDIA, CATECHOLAMINERGIC POLYMORPHIC, 1, WITH OR WITHOUT ATRIAL DYSFUNCTION AND/OR DILATED CARDIOMYOPATHY; VENTRICULAR TACHYCARDIA, STRESS-INDUCED POLYMORPHIC 1. Identifiers: Orphanet 3286, MedGen C1631597, MONDO:0011484, OMIM 604772.

Allele frequency attached by ClinVar (database versions not stated): TOPMed 0.00002; gnomAD 0.00003.
gnomAD v4.1: 6 of 1,613,776 alleles (0.00037%); highest among the groups gnomAD compares: African/African-American, 0.0067%; no homozygotes.

Submissions (3):

Ambry Genetics
Classification: Uncertain significance for Cardiovascular phenotype. Last evaluated: 2024-04-08. Review status: criteria provided, single submitter. Criteria: Ambry Variant Classification Scheme 2023. Collection method: clinical testing. Allele origin: germline.
Comment: The p.V16L variant (also known as c.46G>C), located in coding exon 2 of the TRDN gene, results from a G to C substitution at nucleotide position 46. The valine at codon 16 is replaced by leucine, an amino acid with highly similar properties. This amino acid position is well conserved in available vertebrate species. In addition, this alteration is predicted to be tolerated by in silico analysis. Based on the available evidence, the clinical significance of this variant remains unclear.

Labcorp Genetics (formerly Invitae), Labcorp
Classification: Uncertain significance for Catecholaminergic polymorphic ventricular tachycardia 1. Last evaluated: 2021-08-31. Review status: criteria provided, single submitter. Criteria: Invitae Variant Classification Sherloc (09022015). Collection method: clinical testing. Allele origin: germline.
Comment: This sequence change replaces valine with leucine at codon 16 of the TRDN protein (p.Val16Leu). The valine residue is moderately conserved and there is a small physicochemical difference between valine and leucine. This variant is not present in population databases (ExAC no frequency). This variant has not been reported in the literature in individuals affected with TRDN-related conditions. ClinVar contains an entry for this variant (Variation ID: 517158). Algorithms developed to predict the effect of missense changes on protein structure and function are either unavailable or do not agree on the potential impact of this missense change (SIFT: "Deleterious"; PolyPhen-2: "Not Available"; Align-GVGD: "Class C0"). In summary, the available evidence is currently insufficient to determine the role of this variant in disease. Therefore, it has been classified as a Variant of Uncertain Significance.

Laboratory for Molecular Medicine, Mass General Brigham Personalized Medicine
Classification: Uncertain significance. Last evaluated: 2016-11-17. Review status: criteria provided, single submitter. Criteria: LMM Criteria. Collection method: clinical testing. Allele origin: germline. Observed: 1 variant allele.
Comment: The p.Val16Leu variant in TRDN has not been previously reported in individuals w ith cardiomyopathy or in large population studies. Computational prediction tool s and conservation analysis do not provide strong support for or against an impa ct to the protein. In summary, the clinical significance of the p.Val16Leu varia nt is uncertain.